The following is an entry in ClinVar:

NM_000260.4(MYO7A):c.3698G>A (p.Arg1233Lys)

Gene: MYO7A (myosin VIIA; plus strand). Cytogenetic location: 11q13.5.
Variant type: single nucleotide variant.
Coding change: c.3698G>A on transcript NM_000260.4 (MANE Select); coding-DNA position 3698, G replaced by A.
Protein change: p.Arg1233Lys; replaces arginine 1233 with lysine.
Molecular consequence: missense variant.
Genome position (GRCh38, 1-based): chr11:77,190,087, G>A. VCF-style: chr11-77190087-G-A. GRCh37 (hg19) VCF-style: chr11-76901132-G-A.
Other names: c.3698G>A, p.Arg1233Lys (NM_001127180.2); c.3665G>A, p.Arg1222Lys (NM_001369365.1); short protein forms R1222K, R1233K.
Identifiers: ClinVar variation 1810524 (VCV001810524.2), dbSNP rs1955939071, ClinGen allele CA381947237.

ClinVar aggregate classification (germline): Uncertain significance. Review status: criteria provided, multiple submitters, no conflicts (2 of 4 stars). 2 submissions from 2 submitters: Uncertain significance (2). Last evaluated 2023-11-09.

Conditions:
Inborn genetic diseases. Identifiers: MedGen C0950123, MeSH D030342.

gnomAD v4.1: 1 of 1,579,592 alleles (0.000063%); no homozygotes.

Submissions (2):

Ambry Genetics
Classification: Uncertain significance for Inborn genetic diseases. Last evaluated: 2023-11-09. Review status: criteria provided, single submitter. Criteria: Ambry Variant Classification Scheme 2023. Collection method: clinical testing. Allele origin: germline.

GeneDx
Classification: Uncertain significance. Last evaluated: 2022-07-06. Review status: criteria provided, single submitter. Criteria: GeneDx Variant Classification Process June 2021. Collection method: clinical testing. Allele origin: germline. Affected: yes.
Comment: Not observed at significant frequency in large population cohorts (gnomAD); In silico analysis supports that this missense variant has a deleterious effect on protein structure/function; Has not been previously published as pathogenic or benign to our knowledge